The following is an entry in ClinVar:

ClinVar aggregate classification (germline): Uncertain significance (1 of 4 stars; one submission).

Conditions:
Multiple endocrine neoplasia, type 1 (MEN1). Also called: MEA I; MEN I; WERMER SYNDROME; Endocrine adenomatosis multiple; MEN 1. Identifiers: Orphanet 652, MedGen C0025267, MeSH D018761, MONDO:0007540, OMIM 131100.

Submission:

Labcorp Genetics (formerly Invitae), Labcorp
Classification: Uncertain significance for Multiple endocrine neoplasia, type 1. Last evaluated: 2023-10-14. Review status: criteria provided, single submitter. Criteria: Invitae Variant Classification Sherloc (09022015). Collection method: clinical testing. Allele origin: germline.
Comment: This sequence change replaces valine, which is neutral and non-polar, with glutamic acid, which is acidic and polar, at codon 334 of the MEN1 protein (p.Val334Glu). This variant is not present in population databases (gnomAD no frequency). This variant has not been reported in the literature in individuals affected with MEN1-related conditions. Advanced modeling of protein sequence and biophysical properties (such as structural, functional, and spatial information, amino acid conservation, physicochemical variation, residue mobility, and thermodynamic stability) performed at Invitae indicates that this missense variant is expected to disrupt MEN1 protein function. In summary, the available evidence is currently insufficient to determine the role of this variant in disease. Therefore, it has been classified as a Variant of Uncertain Significance.

NM_001370259.2(MEN1):c.1001T>A (p.Val334Glu)

Gene: MEN1 (menin 1; minus strand). Cytogenetic location: 11q13.1.
Variant type: single nucleotide variant.
Coding change: c.1001T>A on transcript NM_001370259.2 (MANE Select); coding-DNA position 1001, T replaced by A.
Protein change: p.Val334Glu; replaces valine 334 with glutamic acid.
Molecular consequence: missense variant. On other transcripts: non-coding transcript variant (4).
Genome position (GRCh38, 1-based): chr11:64,806,280, A>T on the plus strand (T>A on the coding strand, the complement: MEN1 is on the minus strand). VCF-style: chr11-64806280-A-T. GRCh37 (hg19) VCF-style: chr11-64573752-A-T.
Other names: c.1001T>A, p.Val334Glu (NM_001407146.1, NM_001407147.1, NM_001407152.1 and 7 more transcripts); c.896T>A, p.Val299Glu (NM_001407148.1, NM_001407149.1, NM_001407151.1 and 2 more transcripts); c.1016T>A, p.Val339Glu (NM_001407150.1, NM_130800.3, NM_000244.4 and 5 more transcripts); short protein forms V334E, V339E, V299E.
Identifiers: ClinVar variation 2768533 (VCV002768533.3), dbSNP rs2497173738, ClinGen allele CA381183270.
Genomic context (GRCh38, chr11:64,806,280, plus strand): 5'-GGGGATCCTCACTCCTGGATGACAGTGGCCGTGTCCGCCCAGGCCTGCAGGGCTTCCCGC[A>T]CATTGCGGTTGCGACAGTGGTAGCCAGCCAGGTACATGTAGGGGTAGATGTGTTCATCCC-3'
Protein context (NP_001357188.2, residues 324-344): LAGYHCRNRN[Val334Glu]REALQAWADT